The following is an entry in ClinVar:

ClinVar aggregate classification (germline): Likely pathogenic (1 of 4 stars; one submission).

Conditions:
Baller-Gerold syndrome (BGS). Also called: CRANIOSYNOSTOSIS WITH RADIAL DEFECTS. Identifiers: Orphanet 1225, MedGen C0265308, MONDO:0009039, OMIM 218600.

Submission:

Labcorp Genetics (formerly Invitae), Labcorp
Classification: Likely pathogenic for Baller-Gerold syndrome. Last evaluated: 2022-10-08. Review status: criteria provided, single submitter. Criteria: Invitae Variant Classification Sherloc (09022015). Collection method: clinical testing. Allele origin: germline.
Comment: This variant has not been reported in the literature in individuals affected with RECQL4-related conditions. In summary, the currently available evidence indicates that the variant is pathogenic, but additional data are needed to prove that conclusively. Therefore, this variant has been classified as Likely Pathogenic. Algorithms developed to predict the effect of sequence changes on RNA splicing suggest that this variant may disrupt the consensus splice site. This variant is not present in population databases (gnomAD no frequency). This variant results in the deletion of part of exon 18 (c.3056-4_3069del) of the RECQL4 gene. It is expected to disrupt RNA splicing. Variants that disrupt the donor or acceptor splice site typically lead to a loss of protein function (PMID: 16199547), and loss-of-function variants in RECQL4 are known to be pathogenic (PMID: 12734318, 12952869).

Literature cited by the submitters: PubMed 16199547; PubMed 12734318; PubMed 12952869.

NM_004260.4(RECQL4):c.3056-4_3069del

Gene: RECQL4 (RecQ like helicase 4; minus strand). Cytogenetic location: 8q24.3.
Variant type: Deletion.
Coding change: c.3056-4_3069del on transcript NM_004260.4 (MANE Select); 4 bases into the intron before coding-DNA position 3056 through coding-DNA position 3069, 18 bases deleted (GCAGGTGTGCGGCGTGGG).
Molecular consequence: splice acceptor variant.
Genome position (GRCh38, 1-based): chr8:144,512,311-144,512,328, CCCACGCCGCACACCTGC deleted on the plus strand (GCAGGTGTGCGGCGTGGG on the coding strand, the reverse complement: RECQL4 is on the minus strand); deleting any 18 consecutive bases within chr8:144,512,311-144,512,329 gives the same sequence; the c. name uses the placement nearest the transcript's 3' end. VCF-style (leftmost placement, unchanged base first): chr8-144512310-TCCCACGCCGCACACCTGC-T. GRCh37 (hg19) VCF-style: chr8-145737693-TCCCACGCCGCACACCTGC-T.
Identifiers: ClinVar variation 2034698 (VCV002034698.4), dbSNP rs2537981842, ClinGen allele CA2580078814.